The following is an entry in ClinVar:

ClinVar aggregate classification (germline): Uncertain significance (1 of 4 stars; one submission).

Conditions:
Epilepsy, familial focal, with variable foci 3 (FFEVF3). Identifiers: MedGen C4310708, MONDO:0014925, OMIM 617118.

Allele frequency attached by ClinVar (database versions not stated): ExAC below 0.00001; gnomAD exomes below 0.00001.
gnomAD v4.1: 1 of 1,607,198 alleles (0.000062%); highest among the groups gnomAD compares: East Asian, 0.0022%; no homozygotes.

Submission:

Labcorp Genetics (formerly Invitae), Labcorp
Classification: Uncertain significance for Epilepsy, familial focal, with variable foci 3. Last evaluated: 2018-11-21. Review status: criteria provided, single submitter. Criteria: Invitae Variant Classification Sherloc (09022015). Collection method: clinical testing. Allele origin: germline.
Comment: This sequence change replaces serine with glycine at codon 9 of the NPRL3 protein (p.Ser9Gly). The serine residue is moderately conserved and there is a small physicochemical difference between serine and glycine. In summary, the available evidence is currently insufficient to determine the role of this variant in disease. Therefore, it has been classified as a Variant of Uncertain Significance. Algorithms developed to predict the effect of missense changes on protein structure and function (SIFT, Align-GVGD) all suggest that this variant is likely to be tolerated, but these predictions have not been confirmed by published functional studies and their clinical significance is uncertain. This variant has not been reported in the literature in individuals with NPRL3-related disease. The frequency data for this variant in the population databases is considered unreliable, as metrics indicate poor data quality at this position in the ExAC database.

NM_001077350.3(NPRL3):c.25A>G (p.Ser9Gly)

Genes: HBA-LCR (alpha-globin locus control region; plus strand), NPRL3 (NPR3 like, GATOR1 complex subunit; minus strand). Cytogenetic location: 16p13.3.
Variant type: single nucleotide variant.
Coding change: c.25A>G on transcript NM_001077350.3 (MANE Select); coding-DNA position 25, A replaced by G.
Protein change: p.Ser9Gly; replaces serine 9 with glycine.
Molecular consequence: missense variant. On other transcripts: 5 prime UTR variant (2).
Genome position (GRCh38, 1-based): chr16:138,243, T>C on the plus strand (A>G on the coding strand, the complement: NPRL3 is on the minus strand). VCF-style: chr16-138243-T-C. GRCh37 (hg19) VCF-style: chr16-188242-T-C.
Other names: c.25A>G, p.Ser9Gly (NM_001243249.2, NM_001243248.2); c.-308A>G (NM_001039476.3); c.-347A>G (NM_001243247.2); short protein forms S9G.
Identifiers: ClinVar variation 647577 (VCV000647577.7), dbSNP rs760236969, ClinGen allele CA7769812.